The following is an entry in ClinVar:

ClinVar aggregate classification (germline): Uncertain significance (1 of 4 stars; one submission).

Conditions:
PHACTR1-related disorder. Also called: PHACTR1-related condition.

Submission:

PreventionGenetics, part of Exact Sciences
Classification: Uncertain significance for PHACTR1-related condition. Last evaluated: 2024-12-21. Review status: criteria provided, single submitter. Criteria: ACMG Guidelines, 2015. Collection method: clinical testing. Allele origin: germline.
Comment: The PHACTR1 c.153delC variant is predicted to result in a frameshift and premature protein termination (p.Asn52Thrfs*9). To our knowledge, this variant has not been reported in the literature or in a large population database (gnomAD), indicating this variant is rare. To date, loss of function is not an established disease mechanism for PHACTR1. At this time, the clinical significance of this variant is uncertain due to the absence of conclusive functional and genetic evidence.

NM_030948.6(PHACTR1):c.251-39326del

Gene: PHACTR1 (phosphatase and actin regulator 1; plus strand). Cytogenetic location: 6p24.1.
Variant type: Deletion.
Coding change: c.251-39326del on transcript NM_030948.6 (MANE Select); 39326 bases into the intron before coding-DNA position 251, one base deleted (C; older notation c.251-39326delC).
Molecular consequence: intron variant. On other transcripts: frameshift variant (1).
Genome position (GRCh38, 1-based): chr6:13,014,039, C deleted; the last of 5 consecutive C bases (chr6:13,014,035-13,014,039); deleting any one gives the same sequence. VCF-style (leftmost placement, unchanged base first): chr6-13014034-GC-G. GRCh37 (hg19) VCF-style: chr6-13014266-GC-G.
Other names: c.153del, p.Asn52fs (NM_001322314.4); c.251-39326del (NM_001242648.4, NM_001374581.2, NM_001322308.3 and 3 more transcripts); c.-26-39326del (NM_001322313.2, NM_001322312.3, NM_001322311.2 and 1 more transcripts); short protein forms N52fs.
Identifiers: ClinVar variation 4998357 (VCV004998357.1).